The following is an entry in ClinVar:

ClinVar aggregate classification (germline): Uncertain significance (1 of 4 stars; one submission).

Allele frequency attached by ClinVar (database versions not stated): gnomAD exomes below 0.00001; TOPMed 0.00001.
gnomAD v4.1: 4 of 1,614,150 alleles (0.00025%); highest among the groups gnomAD compares: Non-Finnish European, 0.00034%; no homozygotes.

Submission:

Labcorp Genetics (formerly Invitae), Labcorp
Classification: Uncertain significance. Last evaluated: 2023-10-13. Review status: criteria provided, single submitter. Criteria: Invitae Variant Classification Sherloc (09022015). Collection method: clinical testing. Allele origin: germline.
Comment: This sequence change replaces valine, which is neutral and non-polar, with alanine, which is neutral and non-polar, at codon 571 of the OTOA protein (p.Val571Ala). This variant is not present in population databases (gnomAD no frequency). This missense change has been observed in individual(s) with deafness (Invitae). In at least one individual the data is consistent with being in trans (on the opposite chromosome) from a pathogenic variant. ClinVar contains an entry for this variant (Variation ID: 1462373). An algorithm developed to predict the effect of missense changes on protein structure and function (PolyPhen-2) suggests that this variant is likely to be disruptive. In summary, the available evidence is currently insufficient to determine the role of this variant in disease. Therefore, it has been classified as a Variant of Uncertain Significance.

NM_144672.4(OTOA):c.1712T>C (p.Val571Ala)

Gene: OTOA (otoancorin). Cytogenetic location: 16p12.2.
Variant type: single nucleotide variant.
Coding change: c.1712T>C on transcript NM_144672.4 (MANE Select); coding-DNA position 1712, T replaced by C.
Protein change: p.Val571Ala; replaces valine 571 with alanine.
Molecular consequence: missense variant.
Genome position (GRCh38, 1-based): chr16:21,719,410, T>C. VCF-style: chr16-21719410-T-C. GRCh37 (hg19) VCF-style: chr16-21730731-T-C.
Other names: c.1475T>C, p.Val492Ala (NM_001161683.2); c.740T>C, p.Val247Ala (NM_170664.3); short protein forms V492A, V571A, V247A.
Identifiers: ClinVar variation 1462373 (VCV001462373.6), dbSNP rs1898657927, ClinGen allele CA395064620.
Genomic context (GRCh38, chr16:21,719,410, plus strand): 5'-TTCCTTCCTCTCCCGAGTGCCTTGTTTTGTTTTCTAGTGCTGGGCAGCTGGTCAAAGGCG[T>C]GACCTGCTCACACATTGATGCCATGAGCACTGACTTCTTTCTGGCCCATTTCCAGGATTT-3'
Protein context (NP_653273.3, residues 561-581): LLSAGQLVKG[Val571Ala]TCSHIDAMST